The following is an entry in ClinVar:

ClinVar aggregate classification (germline): Uncertain significance (1 of 4 stars; one submission).

Conditions:
Cardiovascular phenotype. Identifiers: MedGen CN230736.

Submission:

Ambry Genetics
Classification: Uncertain significance for Cardiovascular phenotype. Last evaluated: 2025-12-30. Review status: criteria provided, single submitter. Criteria: Ambry Variant Classification Scheme 2023. Collection method: clinical testing. Allele origin: germline.
Comment: The p.K2550T variant (also known as c.7649A>C), located in coding exon 31 of the AKAP9 gene, results from an A to C substitution at nucleotide position 7649. The lysine at codon 2550 is replaced by threonine, an amino acid with similar properties. This amino acid position is conserved. In addition, this alteration is predicted to be tolerated by in silico analysis. Based on the available evidence, the clinical significance of this variant remains unclear.

NM_005751.5(AKAP9):c.7649A>C (p.Lys2550Thr)

Gene: AKAP9 (A-kinase anchoring protein 9; plus strand). Cytogenetic location: 7q21.2.
Variant type: single nucleotide variant.
Coding change: c.7649A>C on transcript NM_005751.5 (MANE Select); coding-DNA position 7649, A replaced by C.
Protein change: p.Lys2550Thr; replaces lysine 2550 with threonine.
Molecular consequence: missense variant.
Genome position (GRCh38, 1-based): chr7:92,079,782, A>C. VCF-style: chr7-92079782-A-C. GRCh37 (hg19) VCF-style: chr7-91709096-A-C.
Other names: c.2294A>C, p.Lys765Thr (NM_001379277.1); c.7625A>C, p.Lys2542Thr (NM_147185.3); short protein forms K765T, K2542T, K2550T.
Identifiers: ClinVar variation 4842382 (VCV004842382.1).